The following is an entry in ClinVar:

ClinVar aggregate classification (germline): Pathogenic (1 of 4 stars; one submission).

Conditions:
Alpha-N-acetylgalactosaminidase deficiency. Identifiers: Orphanet 3137, MedGen C5848084, MONDO:0017779.

Submission:

Myriad Genetics, Inc.
Classification: Pathogenic for Alpha-N-acetylgalactosaminidase deficiency. Last evaluated: 2024-05-23. Review status: criteria provided, single submitter. Criteria: Myriad Autosomal Dominant, Autosomal Recessive and X-Linked Classification Criteria (2023). Collection method: clinical testing. Allele origin: unknown.
Comment: NM_000262.2(NAGA):c.743G>A(W248*) is expected to be pathogenic in the context of NAGA-related disorders. This variant is predicted to lead to an abnormal or absent protein product due to the creation of a premature termination codon in NAGA, a gene where loss-of-function variants are known to be pathogenic. Please note: this variant was assessed in the context of healthy population screening.

NM_000262.3(NAGA):c.743G>A (p.Trp248Ter)

Gene: NAGA (alpha-N-acetylgalactosaminidase; minus strand). Cytogenetic location: 22q13.2.
Variant type: single nucleotide variant.
Coding change: c.743G>A on transcript NM_000262.3 (MANE Select); coding-DNA position 743, G replaced by A.
Protein change: p.Trp248Ter; replaces tryptophan 248 with a stop codon.
Molecular consequence: nonsense.
Genome position (GRCh38, 1-based): chr22:42,065,754, C>T on the plus strand (G>A on the coding strand, the complement: NAGA is on the minus strand). VCF-style: chr22-42065754-C-T. GRCh37 (hg19) VCF-style: chr22-42461758-C-T.
Other names: c.743G>A, p.Trp248Ter (NM_001362848.1, NM_001362850.1); short protein forms W248*.
Identifiers: ClinVar variation 5013096 (VCV005013096.1).